The following is an entry in ClinVar:

NM_012096.3(APPL1):c.1187A>T (p.Glu396Val)

Gene: APPL1 (adaptor protein, phosphotyrosine interacting with PH domain and leucine zipper 1; plus strand). Cytogenetic location: 3p14.3.
Variant type: single nucleotide variant.
Coding change: c.1187A>T on transcript NM_012096.3 (MANE Select); coding-DNA position 1187, A replaced by T.
Protein change: p.Glu396Val; replaces glutamic acid 396 with valine.
Molecular consequence: missense variant.
Genome position (GRCh38, 1-based): chr3:57,256,991, A>T. VCF-style: chr3-57256991-A-T. GRCh37 (hg19) VCF-style: chr3-57291019-A-T.
Other names: short protein forms E396V.
Identifiers: ClinVar variation 2103318 (VCV002103318.4), dbSNP rs747613823, ClinGen allele CA2463746.

ClinVar aggregate classification (germline): Uncertain significance (1 of 4 stars; one submission).

Allele frequency attached by ClinVar (database versions not stated): ExAC 0.00001; gnomAD 0.00001; gnomAD exomes 0.00001; TOPMed 0.00001.
gnomAD v4.1: 16 of 1,614,044 alleles (0.00099%); highest among the groups gnomAD compares: Non-Finnish European, 0.0014%; no homozygotes.

Submission:

Labcorp Genetics (formerly Invitae), Labcorp
Classification: Uncertain significance. Last evaluated: 2022-10-17. Review status: criteria provided, single submitter. Criteria: Invitae Variant Classification Sherloc (09022015). Collection method: clinical testing. Allele origin: germline.
Comment: Advanced modeling of protein sequence and biophysical properties (such as structural, functional, and spatial information, amino acid conservation, physicochemical variation, residue mobility, and thermodynamic stability) performed at Invitae indicates that this missense variant is not expected to disrupt APPL1 protein function. In summary, the available evidence is currently insufficient to determine the role of this variant in disease. Therefore, it has been classified as a Variant of Uncertain Significance. This variant has not been reported in the literature in individuals affected with APPL1-related conditions. This variant is present in population databases (rs747613823, gnomAD 0.0009%). This sequence change replaces glutamic acid, which is acidic and polar, with valine, which is neutral and non-polar, at codon 396 of the APPL1 protein (p.Glu396Val).